The following is an entry in ClinVar:

NM_024426.6(WT1):c.378C>T (p.Gly126=)

Genes: WT1 (WT1 transcription factor; minus strand), LOC107982234 (WT1/WT1-AS bi-directional promoter region; plus strand). Cytogenetic location: 11p13.
Variant type: single nucleotide variant.
Coding change: c.378C>T on transcript NM_024426.6 (MANE Select); coding-DNA position 378, C replaced by T.
Protein change: p.Gly126=; no amino-acid change (glycine 126 retained).
Molecular consequence: synonymous variant. On other transcripts: non-coding transcript variant (2).
Genome position (GRCh38, 1-based): chr11:32,434,983, G>A on the plus strand (C>T on the coding strand, the complement: WT1 is on the minus strand). VCF-style: chr11-32434983-G-A. GRCh37 (hg19) VCF-style: chr11-32456529-G-A.
Other names: c.378C>T, p.Gly126= (NM_000378.6, NM_001407044.1, NM_001407045.1 and 6 more transcripts); c.159C>T, p.Gly53= (NM_001429031.1, NM_001429032.1, NM_001429033.1 and 1 more transcripts); c.363C>T (NM_024426.4).
Identifiers: ClinVar variation 3386206 (VCV003386206.2).

ClinVar aggregate classification (germline): Likely benign. Review status: criteria provided, multiple submitters, no conflicts (2 of 4 stars). 2 submissions from 2 submitters: Likely benign (2). Last evaluated 2025-07-16.

Conditions:
WT1-related disorder. Also called: WT1-related disorders. Identifiers: MedGen CN377814.
Wilms tumor 1 (WT1). Also called: Wilms tumor, somatic. Identifiers: Orphanet 654, MedGen CN033288, MONDO:0008679, OMIM 194070.

gnomAD v4.1: 1 of 1,515,870 alleles (0.000066%); highest among the groups gnomAD compares: Non-Finnish European, 0.000088%; no homozygotes.

Submissions (2):

PreventionGenetics, part of Exact Sciences
Classification: Likely benign for WT1-related condition. Last evaluated: 2025-07-16. Review status: criteria provided, single submitter. Criteria: ACMG Guidelines, 2015. Collection method: clinical testing. Allele origin: germline.
Comment: This variant is classified as likely benign based on ACMG/AMP sequence variant interpretation guidelines (Richards et al. 2015 PMID: 25741868, with internal and published modifications).

All of Us Research Program, National Institutes of Health
Classification: Likely benign for Wilms tumor 1. Last evaluated: 2024-02-22. Review status: criteria provided, single submitter. Criteria: ACMG Guidelines, 2015. Collection method: clinical testing. Allele origin: germline. Inheritance: Autosomal dominant inheritance. Observed: 1 variant allele, 1 heterozygote.
Comment: This study involves interpretation of variants in research participants for the purpose of population health screening. Participant phenotype was not available at the time of variant classification. Additional details can be found in publication PMID: 35346344, PMCID: PMC8962531